The following is an entry in ClinVar:

ClinVar aggregate classification (germline): Uncertain significance. Review status: criteria provided, multiple submitters, no conflicts (2 of 4 stars). 2 submissions from 2 submitters: Uncertain significance (2). Last evaluated 2024-10-18.

Conditions:
Duchenne muscular dystrophy (DMD). Also called: Duchenne Muscular Dystrophy (DMD); MUSCULAR DYSTROPHY, PSEUDOHYPERTROPHIC PROGRESSIVE, DUCHENNE TYPE. Identifiers: Orphanet 98896, MedGen C0013264, MONDO:0010679, OMIM 310200.

Submissions (2):

Labcorp Genetics (formerly Invitae), Labcorp
Classification: Uncertain significance for Duchenne muscular dystrophy. Last evaluated: 2024-10-18. Review status: criteria provided, single submitter. Criteria: Invitae Variant Classification Sherloc (09022015). Collection method: clinical testing. Allele origin: germline.
Comment: This sequence change replaces glutamine, which is neutral and polar, with arginine, which is basic and polar, at codon 3310 of the DMD protein (p.Gln3310Arg). This variant is not present in population databases (gnomAD no frequency). This missense change has been observed in individual(s) with limb-girdle weakness (PMID: 32528171). ClinVar contains an entry for this variant (Variation ID: 289055). Invitae Evidence Modeling of protein sequence and biophysical properties (such as structural, functional, and spatial information, amino acid conservation, physicochemical variation, residue mobility, and thermodynamic stability) indicates that this missense variant is not expected to disrupt DMD protein function with a negative predictive value of 95%. In summary, the available evidence is currently insufficient to determine the role of this variant in disease. Therefore, it has been classified as a Variant of Uncertain Significance.

Eurofins Ntd Llc (ga)
Classification: Uncertain significance. Last evaluated: 2016-06-27. Review status: criteria provided, single submitter. Criteria: EGL Classification Definitions 2015. Collection method: clinical testing. Allele origin: germline. Observed: 1 variant allele, 1 hemizygote.

Literature cited by the submitters: PubMed 32528171 (cited by Labcorp Genetics (formerly Invitae), Labcorp).

NM_004006.3(DMD):c.9929A>G (p.Gln3310Arg)

Gene: DMD (dystrophin; minus strand). Cytogenetic location: Xp21.2.
Variant type: single nucleotide variant.
Coding change: c.9929A>G on transcript NM_004006.3 (MANE Select); coding-DNA position 9929, A replaced by G.
Protein change: p.Gln3310Arg; replaces glutamine 3310 with arginine.
Molecular consequence: missense variant.
Genome position (GRCh38, 1-based): chrX:31,182,783, T>C on the plus strand (A>G on the coding strand, the complement: DMD is on the minus strand). VCF-style: chrX-31182783-T-C. GRCh37 (hg19) VCF-style: chrX-31200900-T-C.
Other names: c.725A>G, p.Gln242Arg (NM_004015.3, NM_004016.3, NM_004017.3 and 2 more transcripts); c.2549A>G, p.Gln850Arg (NM_004020.4, NM_004021.3, NM_004022.3 and 2 more transcripts); c.9905A>G, p.Gln3302Arg (NM_000109.4); c.9917A>G, p.Gln3306Arg (NM_004009.3); c.9560A>G, p.Gln3187Arg (NM_004010.3); c.5906A>G, p.Gln1969Arg (NM_004011.4); c.5897A>G, p.Gln1966Arg (NM_004012.4); c.1742A>G, p.Gln581Arg (NM_004014.3); short protein forms Q3310R, Q242R, Q3187R, Q1969R, Q581R, Q850R, Q3302R, Q3306R.
Identifiers: ClinVar variation 289055 (VCV000289055.13), dbSNP rs886044071, ClinGen allele CA10606312.
Genomic context (GRCh38, chrX:31,182,783, plus strand): 5'-TTTGGTTCCTAATACCTGAATCCAATGATTGGACACTCTTTGCAGATGTTACATTTGGCC[T>C]GATGCTTGGCAGTTTCTGCAGCAGCCACTCTGTGCAGGACGGGCAGCCACACCATGGACT-3'
Protein context (NP_003997.2, residues 3300-3320): RVAAAETAKH[Gln3310Arg]AKCNICKECP